The following is an entry in ClinVar:

NM_207361.6(FREM2):c.*4770C>T

Gene: FREM2 (FRAS1 related extracellular matrix 2; plus strand). Cytogenetic location: 13q13.3.
Variant type: single nucleotide variant.
Coding change: c.*4770C>T on transcript NM_207361.6 (MANE Select); 4770 bases downstream of the stop codon, C replaced by T.
Molecular consequence: 3 prime UTR variant.
Genome position (GRCh38, 1-based): chr13:38,885,557, C>T. VCF-style: chr13-38885557-C-T. GRCh37 (hg19) VCF-style: chr13-39459694-C-T.
Identifiers: ClinVar variation 312093 (VCV000312093.6), dbSNP rs6563648, ClinGen allele CA10634333.

ClinVar aggregate classification (germline): Benign. Review status: criteria provided, multiple submitters, no conflicts (2 of 4 stars). 2 submissions from 2 submitters: Benign (2). Last evaluated 2018-01-13.

Conditions:
Fraser syndrome 2 (FRASRS2). Identifiers: MedGen C4540036, MONDO:0054738, OMIM 617666.

Allele frequency attached by ClinVar (database versions not stated): gnomAD 0.26723 and 0.26840; TOPMed 0.27429; 1000 Genomes Project 0.30871; 1000 Genomes Project 30x 0.31012.

Submissions (2):

Illumina Laboratory Services, Illumina
Classification: Benign for Fraser syndrome 2. Last evaluated: 2018-01-13. Review status: criteria provided, single submitter. Criteria: ICSL Variant Classification Criteria 13 December 2019. Collection method: clinical testing. Allele origin: germline.
Comment: This variant was observed in the ICSL laboratory as part of a predisposition screen in an ostensibly healthy population. It had not been previously curated by ICSL or reported in the Human Gene Mutation Database (HGMD: prior to June 1st, 2018), and was therefore a candidate for classification through an automated scoring system. Utilizing variant allele frequency, disease prevalence and penetrance estimates, and inheritance mode, an automated score was calculated to assess if this variant is too frequent to cause the disease. Based on the score and internal cut-off values, a variant classified as benign is not then subjected to further curation. The score for this variant resulted in a classification of benign for this disease.

Breakthrough Genomics
Classification: Benign. Review status: criteria provided, single submitter. Criteria: ACMG Guidelines, 2015. Collection method: not provided. Allele origin: germline. Inheritance: Autosomal recessive inheritance. Affected: yes.